The following is an entry in ClinVar:

NM_001128225.3(SLC39A13):c.919+19dup

Gene: SLC39A13 (solute carrier family 39 member 13; plus strand). Cytogenetic location: 11p11.2.
Variant type: Duplication.
Coding change: c.919+19dup on transcript NM_001128225.3 (MANE Select); 19 bases into the intron after coding-DNA position 919, one base duplicated (G; older notation c.919+19dupG).
Molecular consequence: intron variant.
Genome position (GRCh38, 1-based): chr11:47,414,928, G duplicated; the last of 2 consecutive G bases (chr11:47,414,927-47,414,928); duplicating either gives the same sequence. VCF-style (leftmost placement, unchanged base first): chr11-47414926-T-TG. GRCh37 (hg19) VCF-style: chr11-47436477-T-TG.
Other names: c.919+19dupG (NM_152264.4); c.919+19dup (NM_152264.5); c.915+23dup (NM_001330245.2).
Identifiers: ClinVar variation 507261 (VCV000507261.9), dbSNP rs747836551, ClinGen allele CA5975991.

ClinVar aggregate classification (germline): Likely benign. Review status: criteria provided, multiple submitters, no conflicts (2 of 4 stars). 2 submissions from 2 submitters: Likely benign (2). Last evaluated 2025-10-22.

Conditions:
Ehlers-Danlos syndrome, spondylodysplastic type, 3. Also called: Ehlers-Danlos syndrome, spondylocheirodysplastic type. Identifiers: Orphanet 157965, MedGen C2676510, MONDO:0012873, OMIM 612350.

Submissions (2):

Labcorp Genetics (formerly Invitae), Labcorp
Classification: Likely benign for Ehlers-Danlos syndrome, spondylodysplastic type, 3. Last evaluated: 2025-10-22. Review status: criteria provided, single submitter. Criteria: Invitae Variant Classification Sherloc (09022015). Collection method: clinical testing. Allele origin: germline.

GeneDx
Classification: Likely benign. Last evaluated: 2017-02-07. Review status: criteria provided, single submitter. Criteria: GeneDx Variant Classification (06012015). Collection method: clinical testing. Allele origin: germline. Affected: yes.
Comment: This variant is considered likely benign or benign based on one or more of the following criteria: it is a conservative change, it occurs at a poorly conserved position in the protein, it is predicted to be benign by multiple in silico algorithms, and/or has population frequency not consistent with disease.